The following is an entry in ClinVar:

ClinVar aggregate classification (germline): Pathogenic (1 of 4 stars; one submission).

Conditions:
3M syndrome 2. Also called: 3-M Syndrome, OBSL1-Related; THREE M SYNDROME 2. Identifiers: Orphanet 2616, MedGen C2752041, MONDO:0013039, OMIM 612921.

Submission:

Women's Health and Genetics/Laboratory Corporation of America, LabCorp
Classification: Pathogenic for 3M syndrome 2. Last evaluated: 2025-04-10. Review status: criteria provided, single submitter. Criteria: LabCorp Variant Classification Summary - May 2015. Collection method: clinical testing. Allele origin: germline.
Comment: Variant summary: OBSL1 c.103delG (p.Val35SerfsX8) results in a premature termination codon, predicted to cause a truncation of the encoded protein or absence of the protein due to nonsense mediated decay, which are commonly known mechanisms for disease. The variant allele was found at a frequency of 6.7e-07 in 1483514 control chromosomes. To our knowledge, no occurrence of c.103delG in individuals affected with Three M Syndrome 2 and no experimental evidence demonstrating its impact on protein function have been reported. No submitters have cited clinical-significance assessments for this variant to ClinVar. Based on the evidence outlined above, the variant was classified as pathogenic.

NM_015311.3(OBSL1):c.103del (p.Val35fs)

Gene: OBSL1 (obscurin like cytoskeletal adaptor 1; minus strand). Cytogenetic location: 2q35.
Variant type: Deletion.
Coding change: c.103del on transcript NM_015311.3 (MANE Select); coding-DNA position 103, one base deleted (G; older notation c.103delG).
Protein change: p.Val35fs; shifts the reading frame from valine 35.
Molecular consequence: frameshift variant.
Genome position (GRCh38, 1-based): chr2:219,571,130, C deleted on the plus strand (G on the coding strand, the reverse complement: OBSL1 is on the minus strand); the first of 2 consecutive C bases (chr2:219,571,130-219,571,131); deleting either gives the same sequence. VCF-style (leftmost placement, unchanged base first): chr2-219571129-AC-A. GRCh37 (hg19) VCF-style: chr2-220435851-AC-A.
Other names: c.103del, p.Val35fs (NM_001173408.2, NM_001173431.2); c.103delG (NM_015311.3); short protein forms V35fs.
Identifiers: ClinVar variation 3896354 (VCV003896354.2).